The following is an entry in ClinVar:

NM_001206927.2(DNAH8):c.3984A>T (p.Arg1328Ser)

Gene: DNAH8 (dynein axonemal heavy chain 8; plus strand). Cytogenetic location: 6p21.2.
Variant type: single nucleotide variant.
Coding change: c.3984A>T on transcript NM_001206927.2 (MANE Select); coding-DNA position 3984, A replaced by T.
Protein change: p.Arg1328Ser; replaces arginine 1328 with serine.
Molecular consequence: missense variant.
Genome position (GRCh38, 1-based): chr6:38,826,292, A>T. VCF-style: chr6-38826292-A-T. GRCh37 (hg19) VCF-style: chr6-38794068-A-T.
Other names: c.3333A>T, p.Arg1111Ser (NM_001371.4); short protein forms R1328S, R1111S.
Identifiers: ClinVar variation 525216 (VCV000525216.8), dbSNP rs749436834, ClinGen allele CA3788980.

ClinVar aggregate classification (germline): Uncertain significance (1 of 4 stars; one submission).

Conditions:
Primary ciliary dyskinesia. Also called: Ciliary dyskinesia. Identifiers: Orphanet 244, MedGen C0008780, MONDO:0016575, HP:0012265.

Allele frequency attached by ClinVar (database versions not stated): gnomAD exomes below 0.00001 and 0.00003; ExAC 0.00001; gnomAD 0.00001; TOPMed 0.00004.
gnomAD v4.1: 39 of 1,613,442 alleles (0.0024%); highest among the groups gnomAD compares: Non-Finnish European, 0.0033%; no homozygotes.

Submission:

Labcorp Genetics (formerly Invitae), Labcorp
Classification: Uncertain significance for Primary ciliary dyskinesia. Last evaluated: 2022-02-05. Review status: criteria provided, single submitter. Criteria: Invitae Variant Classification Sherloc (09022015). Collection method: clinical testing. Allele origin: germline.
Comment: This variant has not been reported in the literature in individuals affected with DNAH8-related conditions. In summary, the available evidence is currently insufficient to determine the role of this variant in disease. Therefore, it has been classified as a Variant of Uncertain Significance. Algorithms developed to predict the effect of missense changes on protein structure and function are either unavailable or do not agree on the potential impact of this missense change (SIFT: "Deleterious"; PolyPhen-2: "Not Available"; Align-GVGD: "Class C0"). ClinVar contains an entry for this variant (Variation ID: 525216). This variant is present in population databases (rs749436834, gnomAD 0.0009%). This sequence change replaces arginine, which is basic and polar, with serine, which is neutral and polar, at codon 1328 of the DNAH8 protein (p.Arg1328Ser).